The following is an entry in ClinVar:

NM_201378.4(PLEC):c.71-15138C>T

Genes: PLEC (plectin; minus strand), LOC130001350 (ATAC-STARR-seq lymphoblastoid silent region 19639; plus strand). Cytogenetic location: 8q24.3.
Variant type: single nucleotide variant.
Coding change: c.71-15138C>T on transcript NM_201378.4 (MANE Plus Clinical); 15138 bases into the intron before coding-DNA position 71, C replaced by T.
Molecular consequence: intron variant. On other transcripts: 5 prime UTR variant (1).
Genome position (GRCh38, 1-based): chr8:143,953,830, G>A on the plus strand (C>T on the coding strand, the complement: PLEC is on the minus strand). VCF-style: chr8-143953830-G-A. GRCh37 (hg19) VCF-style: chr8-145027998-G-A.
Other names: c.-59C>T (NM_201379.3); c.194-15138C>T (NM_001410941.1, NM_000445.5).
Identifiers: ClinVar variation 677259 (VCV000677259.5), dbSNP rs147713970, ClinGen allele CA16352171.

ClinVar aggregate classification (germline): Benign. Review status: criteria provided, multiple submitters, no conflicts (2 of 4 stars). 3 submissions from 3 submitters: Benign (3). Last evaluated 2018-06-16.

Allele frequency attached by ClinVar (database versions not stated): TOPMed 0.01900; 1000 Genomes Project 0.01238; ESP Exome Variant Server 0.02323; gnomAD 0.03461; 1000 Genomes Project 30x 0.01171.
gnomAD v4.1: 53,410 of 1,605,248 alleles (3.3%); highest among the groups gnomAD compares: Non-Finnish European, 3.5%; 1,263 homozygotes.

Submissions (3):

Blueprint Genetics
Classification: Benign. Last evaluated: 2018-06-16. Review status: criteria provided, single submitter. Criteria: ACMG Guidelines, 2015. Collection method: clinical testing. Allele origin: germline.

GeneDx
Classification: Benign. Last evaluated: 2018-06-16. Review status: criteria provided, single submitter. Criteria: GeneDx Variant Classification (06012015). Collection method: clinical testing. Allele origin: germline. Affected: yes.
Comment: This variant is considered likely benign or benign based on one or more of the following criteria: it is a conservative change, it occurs at a poorly conserved position in the protein, it is predicted to be benign by multiple in silico algorithms, and/or has population frequency not consistent with disease.

Breakthrough Genomics
Classification: Benign. Review status: criteria provided, single submitter. Criteria: ACMG Guidelines, 2015. Collection method: not provided. Allele origin: germline. Inheritance: Autosomal recessive inheritance. Affected: yes.